The following is an entry in ClinVar:

NM_001271938.2(MEGF8):c.3033C>T (p.Thr1011=)

Gene: MEGF8 (multiple EGF like domains 8; plus strand). Cytogenetic location: 19q13.2.
Variant type: single nucleotide variant.
Coding change: c.3033C>T on transcript NM_001271938.2 (MANE Select); coding-DNA position 3033, C replaced by T.
Protein change: p.Thr1011=; no amino-acid change (threonine 1011 retained).
Molecular consequence: synonymous variant.
Genome position (GRCh38, 1-based): chr19:42,351,693, C>T. VCF-style: chr19-42351693-C-T. GRCh37 (hg19) VCF-style: chr19-42855845-C-T.
Other names: c.2832C>T, p.Thr944= (NM_001410.3).
Identifiers: ClinVar variation 473324 (VCV000473324.37), dbSNP rs145216125, ClinGen allele CA9474886.

ClinVar aggregate classification (germline): Likely benign. Review status: criteria provided, multiple submitters, no conflicts (2 of 4 stars). 3 submissions from 3 submitters: Likely benign (3). Last evaluated 2026-01-20.

Conditions:
MEGF8-related Carpenter syndrome. Also called: Carpenter syndrome 2. Identifiers: Orphanet 65759, MedGen C3554247, MONDO:0013998, OMIM 614976.

Allele frequency attached by ClinVar (database versions not stated): gnomAD exomes 0.00032 and 0.00058; ESP Exome Variant Server 0.00046; TOPMed 0.00055; gnomAD 0.00057 and 0.00061; ExAC 0.00088.
gnomAD v4.1: 586 of 1,594,794 alleles (0.037%); highest among the groups gnomAD compares: Middle Eastern, 0.082%; 1 homozygote.

Submissions (3):

Labcorp Genetics (formerly Invitae), Labcorp
Classification: Likely benign for MEGF8-related Carpenter syndrome. Last evaluated: 2026-01-20. Review status: criteria provided, single submitter. Criteria: Invitae Variant Classification Sherloc (09022015). Collection method: clinical testing. Allele origin: germline.

CeGaT Center for Human Genetics Tuebingen
Classification: Likely benign. Last evaluated: 2025-07-01. Review status: criteria provided, single submitter. Criteria: CeGaT Center For Human Genetics Tuebingen Variant Classification Criteria Version 2. Collection method: clinical testing. Allele origin: germline. Affected: yes. Observed: 3 variant alleles.
Comment: MEGF8: BP4, BP7

Blueprint Genetics
Classification: Likely benign. Last evaluated: 2024-11-22. Review status: criteria provided, single submitter. Criteria: ACMG Guidelines, 2015. Collection method: clinical testing. Allele origin: germline.